The following is an entry in ClinVar:

ClinVar aggregate classification (germline): Uncertain significance. Review status: criteria provided, single submitter (1 of 4 stars). 2 submissions from 2 submitters: Uncertain significance (1). 1 of the submissions does not count toward it. Last evaluated 2025-11-16.

Conditions:
KRT10-related disorder. Also called: KRT10-related condition.

Allele frequency attached by ClinVar (database versions not stated): gnomAD exomes 0.00090; ExAC 0.00159.

Submissions (2):

Labcorp Genetics (formerly Invitae), Labcorp
Classification: Uncertain significance. Last evaluated: 2025-11-16. Review status: criteria provided, single submitter. Criteria: Invitae Variant Classification Sherloc (09022015). Collection method: clinical testing. Allele origin: germline.
Comment: This sequence change replaces glycine, which is neutral and non-polar, with serine, which is neutral and polar, at codon 510 of the KRT10 protein (p.Gly510Ser). The frequency data for this variant in the population databases is considered unreliable, as metrics indicate poor data quality at this position in the gnomAD database. This variant has not been reported in the literature in individuals affected with KRT10-related conditions. ClinVar contains an entry for this variant (Variation ID: 3041949). Invitae Evidence Modeling of protein sequence and biophysical properties (such as structural, functional, and spatial information, amino acid conservation, physicochemical variation, residue mobility, and thermodynamic stability) indicates that this missense variant is not expected to disrupt KRT10 protein function with a negative predictive value of 80%. In summary, the available evidence is currently insufficient to determine the role of this variant in disease. Therefore, it has been classified as a Variant of Uncertain Significance.

PreventionGenetics, part of Exact Sciences
Classification: Likely benign for KRT10-related condition. Last evaluated: 2022-12-29. Review status: no assertion criteria provided. Collection method: clinical testing. Allele origin: germline. Not counted in ClinVar's aggregate classification.
Comment: This variant is classified as likely benign based on ACMG/AMP sequence variant interpretation guidelines (Richards et al. 2015 PMID: 25741868, with internal and published modifications).

NM_000421.5(KRT10):c.1528G>A (p.Gly510Ser)

Gene: KRT10 (keratin 10; minus strand). Cytogenetic location: 17q21.2.
Variant type: single nucleotide variant.
Coding change: c.1528G>A on transcript NM_000421.5 (MANE Select); coding-DNA position 1528, G replaced by A.
Protein change: p.Gly510Ser; replaces glycine 510 with serine.
Molecular consequence: missense variant.
Genome position (GRCh38, 1-based): chr17:40,819,007, C>T on the plus strand (G>A on the coding strand, the complement: KRT10 is on the minus strand). VCF-style: chr17-40819007-C-T. GRCh37 (hg19) VCF-style: chr17-38975259-C-T.
Other names: c.1528G>A, p.Gly510Ser (NM_001379366.1); short protein forms G510S.
Identifiers: ClinVar variation 3041949 (VCV003041949.3), dbSNP rs746687989, ClinGen allele CA8547985.